The following is an entry in ClinVar:

NM_020795.4(NLGN2):c.1048G>A (p.Ala350Thr)

Gene: NLGN2 (neuroligin 2; plus strand). Cytogenetic location: 17p13.1.
Variant type: single nucleotide variant.
Coding change: c.1048G>A on transcript NM_020795.4 (MANE Select); coding-DNA position 1048, G replaced by A.
Protein change: p.Ala350Thr; replaces alanine 350 with threonine.
Molecular consequence: missense variant.
Genome position (GRCh38, 1-based): chr17:7,415,521, G>A. VCF-style: chr17-7415521-G-A. GRCh37 (hg19) VCF-style: chr17-7318840-G-A.
Other names: short protein forms A350T.
Identifiers: ClinVar variation 3715532 (VCV003715532.2).

ClinVar aggregate classification (germline): Uncertain significance (1 of 4 stars; one submission).

gnomAD v4.1: 1 of 1,614,218 alleles (0.000062%); highest among the groups gnomAD compares: Non-Finnish European, 0.000085%; no homozygotes.

Submission:

Labcorp Genetics (formerly Invitae), Labcorp
Classification: Uncertain significance. Last evaluated: 2024-12-12. Review status: criteria provided, single submitter. Criteria: Invitae Variant Classification Sherloc (09022015). Collection method: clinical testing. Allele origin: germline.
Comment: This sequence change replaces alanine, which is neutral and non-polar, with threonine, which is neutral and polar, at codon 350 of the NLGN2 protein (p.Ala350Thr). This variant is not present in population databases (gnomAD no frequency). This variant has not been reported in the literature in individuals affected with NLGN2-related conditions. Invitae Evidence Modeling of protein sequence and biophysical properties (such as structural, functional, and spatial information, amino acid conservation, physicochemical variation, residue mobility, and thermodynamic stability) indicates that this missense variant is expected to disrupt NLGN2 protein function with a positive predictive value of 80%. In summary, the available evidence is currently insufficient to determine the role of this variant in disease. Therefore, it has been classified as a Variant of Uncertain Significance.